The following continues an entry in ClinVar:

NM_000492.4(CFTR):c.418C>T (p.Pro140Ser)

Gene: CFTR. ClinVar aggregate classification (germline): Uncertain significance. Uncertain significance (15).

Submissions 12 to 17 of 17:

Sema4
Classification: Uncertain significance for Hereditary pancreatitis. Last evaluated: 2021-04-14. Review status: criteria provided, single submitter. Criteria: Sema4 Curation Guidelines. Collection method: curation. Allele origin: germline.
Comment: The CFTR c.418C>T (p.P140S) variant has been reported in heterozygosity in at least one individual with congenital absence of the vas deferens (PMID: 32777524) and 3 individuals undergoing carrier screening (PMID 15354332, 18687795, 17380060). It was observed in 7/19938 chromosomes of the East Asian subpopulation in the large and broad cohorts of the Genome Aggregation Database. The variant has been reported in Clinvar (Variation ID 53912). In silico tools suggest the impact of the variant on protein function is deleterious, though these predictions have not been confirmed by functional studies. The overall evidence is insufficient to meet ACMG/AMP criteria for classifying it as benign or pathogenic. In summary, the clinical significance of this variant is currently uncertain.

Eurofins Ntd Llc (ga)
Classification: Uncertain significance. Last evaluated: 2017-10-11. Review status: criteria provided, single submitter. Criteria: EGL Classification Definitions 2015. Collection method: clinical testing. Allele origin: germline. Observed: 4 variant alleles, 4 heterozygotes.

Illumina Laboratory Services, Illumina
Classification: Uncertain significance for CFTR-Related Disorders. Last evaluated: 2017-04-28. Review status: criteria provided, single submitter. Criteria: ICSL Variant Classification Criteria 13 December 2019. Collection method: clinical testing. Allele origin: germline.

Quest Diagnostics Nichols Institute San Juan Capistrano
Classification: Uncertain significance. Last evaluated: 2017-01-10. Review status: criteria provided, single submitter. Criteria: Quest Diagnostics criteria. Collection method: clinical testing. Allele origin: germline.

PreventionGenetics, part of Exact Sciences
Classification: Uncertain significance for CFTR-related condition. Last evaluated: 2024-05-10. Review status: no assertion criteria provided. Collection method: clinical testing. Allele origin: germline. Not counted in ClinVar's aggregate classification.
Comment: The CFTR c.418C>T variant is predicted to result in the amino acid substitution p.Pro140Ser. This variant has been previously reported a patient with disseminated bronchiectasis (Schrijver I et al 2016. PubMed ID: 26708955). A different missense change at the same position (p.Pro140Leu) has also been reported in a patient with mild bronchitis. This variant is reported in 0.035% of alleles in individuals of East Asian descent in gnomAD. At this time, the clinical significance of this variant is uncertain due to the absence of conclusive functional and genetic evidence.

Natera, Inc.
Classification: Uncertain significance for Cystic Fibrosis. Last evaluated: 2017-05-09. Review status: no assertion criteria provided. Collection method: clinical testing. Allele origin: germline. Not counted in ClinVar's aggregate classification.

Literature cited by the submitters: PubMed 18687795 (cited by Women's Health and Genetics/Laboratory Corporation of America, LabCorp and Sema4); PubMed 15354332 (cited by 5 submitters); PubMed 17380060 (cited by 4 submitters); PubMed 26708955 (cited by Women's Health and Genetics/Laboratory Corporation of America, LabCorp and Labcorp Genetics (formerly Invitae), Labcorp); PubMed 32777524 (cited by 3 submitters); PubMed 36409994 (cited by Women's Health and Genetics/Laboratory Corporation of America, LabCorp); PubMed 38388235 (cited by Women's Health and Genetics/Laboratory Corporation of America, LabCorp); PubMed 39532587 (cited by Women's Health and Genetics/Laboratory Corporation of America, LabCorp); PubMed 40065563 (cited by Women's Health and Genetics/Laboratory Corporation of America, LabCorp); PubMed 39855646 (cited by Women's Health and Genetics/Laboratory Corporation of America, LabCorp); PubMed 34996830 (cited by Johns Hopkins Genomics, Johns Hopkins University).